The following is an entry in ClinVar:

ClinVar aggregate classification (germline): Uncertain significance (1 of 4 stars; one submission).

gnomAD v4.1: 2 of 1,546,704 alleles (0.00013%); highest among the groups gnomAD compares: East Asian, 0.0049%; no homozygotes.

Submission:

GeneDx
Classification: Uncertain significance. Last evaluated: 2023-12-16. Review status: criteria provided, single submitter. Criteria: GeneDx Variant Classification Process June 2021. Collection method: clinical testing. Allele origin: germline. Affected: yes.
Comment: Not observed at significant frequency in large population cohorts (gnomAD); In silico analysis supports that this missense variant does not alter protein structure/function; Has not been previously published as pathogenic or benign to our knowledge

NM_001252102.2(KIF21B):c.4006G>A (p.Val1336Ile)

Genes: KIF21B (kinesin family member 21B; minus strand), LOC129932203 (ATAC-STARR-seq lymphoblastoid active region 2305; plus strand). Cytogenetic location: 1q32.1.
Variant type: single nucleotide variant.
Coding change: c.4006G>A on transcript NM_001252102.2 (MANE Select); coding-DNA position 4006, G replaced by A.
Protein change: p.Val1336Ile; replaces valine 1336 with isoleucine.
Molecular consequence: missense variant.
Genome position (GRCh38, 1-based): chr1:200,979,689, C>T on the plus strand (G>A on the coding strand, the complement: KIF21B is on the minus strand). VCF-style: chr1-200979689-C-T. GRCh37 (hg19) VCF-style: chr1-200948817-C-T.
Other names: c.4006G>A, p.Val1336Ile (NM_001252100.2); c.3967G>A, p.Val1323Ile (NM_001252103.2, NM_017596.4); short protein forms V1323I, V1336I.
Identifiers: ClinVar variation 3365860 (VCV003365860.1).
Genomic context (GRCh38, chr1:200,979,689, plus strand): 5'-ACTTGATGGAGACCACGTTGTTGGGGTGGCCCTTTAGAGCTGCGATCTCCTGTCCCGTAA[C>T]CAAGTTCCACATCTTGCAGCTTCGGTCTGTGAGAGATGGGAGGAAGCCACAGGGAGGGGA-3'
Protein context (NP_001239031.1, residues 1326-1346): KDRSCKMWNL[Val1336Ile]TGQEIAALKG